The following is an entry in ClinVar:

NM_005732.4(RAD50):c.2860A>G (p.Ile954Val)

Gene: RAD50 (RAD50 double strand break repair protein; plus strand). Cytogenetic location: 5q31.1.
Variant type: single nucleotide variant.
Coding change: c.2860A>G on transcript NM_005732.4 (MANE Select); coding-DNA position 2860, A replaced by G.
Protein change: p.Ile954Val; replaces isoleucine 954 with valine.
Molecular consequence: missense variant.
Genome position (GRCh38, 1-based): chr5:132,609,147, A>G. VCF-style: chr5-132609147-A-G. GRCh37 (hg19) VCF-style: chr5-131944839-A-G.
Other names: short protein forms I954V.
Identifiers: ClinVar variation 1355756 (VCV001355756.8), dbSNP rs2149849678, ClinGen allele CA360959555.

ClinVar aggregate classification (germline): Uncertain significance (1 of 4 stars; one submission).

Conditions:
Hereditary cancer-predisposing syndrome. Also called: Neoplastic Syndromes, Hereditary; Tumor predisposition; Hereditary neoplastic syndrome; Hereditary Cancer Syndrome. Identifiers: Orphanet 140162, MedGen C0027672, MeSH D009386, MONDO:0015356.

gnomAD v4.1: 1 of 1,611,974 alleles (0.000062%); highest among the groups gnomAD compares: Non-Finnish European, 0.000085%; no homozygotes.

Submission:

Labcorp Genetics (formerly Invitae), Labcorp
Classification: Uncertain significance for Hereditary cancer-predisposing syndrome. Last evaluated: 2023-09-25. Review status: criteria provided, single submitter. Criteria: Invitae Variant Classification Sherloc (09022015). Collection method: clinical testing. Allele origin: germline.
Comment: In summary, the available evidence is currently insufficient to determine the role of this variant in disease. Therefore, it has been classified as a Variant of Uncertain Significance. Advanced modeling of protein sequence and biophysical properties (such as structural, functional, and spatial information, amino acid conservation, physicochemical variation, residue mobility, and thermodynamic stability) performed at Invitae indicates that this missense variant is not expected to disrupt RAD50 protein function. ClinVar contains an entry for this variant (Variation ID: 1355756). This variant has not been reported in the literature in individuals affected with RAD50-related conditions. This variant is not present in population databases (gnomAD no frequency). This sequence change replaces isoleucine, which is neutral and non-polar, with valine, which is neutral and non-polar, at codon 954 of the RAD50 protein (p.Ile954Val).